The following is an entry in ClinVar:

NM_182961.4(SYNE1):c.11692C>A (p.Gln3898Lys)

Gene: SYNE1 (spectrin repeat containing nuclear envelope protein 1; minus strand). Cytogenetic location: 6q25.2.
Variant type: single nucleotide variant.
Coding change: c.11692C>A on transcript NM_182961.4 (MANE Select); coding-DNA position 11692, C replaced by A.
Protein change: p.Gln3898Lys; replaces glutamine 3898 with lysine.
Molecular consequence: missense variant.
Genome position (GRCh38, 1-based): chr6:152,350,659, G>T on the plus strand (C>A on the coding strand, the complement: SYNE1 is on the minus strand). VCF-style: chr6-152350659-G-T. GRCh37 (hg19) VCF-style: chr6-152671794-G-T.
Other names: c.11647C>A, p.Gln3883Lys (NM_033071.5); short protein forms Q3898K, Q3883K.
Identifiers: ClinVar variation 934172 (VCV000934172.9), dbSNP rs768435800, ClinGen allele CA4056622.
Genomic context (GRCh38, chr6:152,350,659, plus strand): 5'-GTCTTTCATCTCTCCTTACCTTTCCTATGCTGCACAGGTCCTGGTAATCACTTTGAAGTT[G>T]ATCTATTTTGTCCTTTAAAGTGACGTCCTGCACCAGTTCCAAAAGAGCTTCACCCTTCTC-3'
Protein context (NP_892006.3, residues 3888-3908): QDVTLKDKID[Gln3898Lys]LQSDYQDLCS

ClinVar aggregate classification (germline): Uncertain significance (1 of 4 stars; one submission).

Conditions:
Emery-Dreifuss muscular dystrophy 4, autosomal dominant (EDMD4). Also called: EMERY-DREIFUSS MUSCULAR DYSTROPHY 4 WITH VARIABLE FEATURES. Identifiers: Orphanet 261, MedGen C2751807, MONDO:0013071, OMIM 612998.
Autosomal recessive ataxia, Beauce type. Also called: Spinocerebellar ataxia, autosomal recessive 8; ATAXIA, RECESSIVE, OF BEAUCE; SYNE1-Related Autosomal Recessive Cerebellar Ataxia; SYNE1 Deficiency. Identifiers: Orphanet 88644, MedGen C1853116, MONDO:0012549, OMIM 610743.

Allele frequency attached by ClinVar (database versions not stated): ExAC 0.00001; gnomAD exomes 0.00001 and 0.00002; TOPMed 0.00001; gnomAD 0.00002.
gnomAD v4.1: 23 of 1,613,908 alleles (0.0014%); highest among the groups gnomAD compares: Non-Finnish European, 0.0019%; no homozygotes.

Submission:

Labcorp Genetics (formerly Invitae), Labcorp
Classification: Uncertain significance for Emery-Dreifuss muscular dystrophy 4, autosomal dominant; Autosomal recessive ataxia, Beauce type. Last evaluated: 2022-02-04. Review status: criteria provided, single submitter. Criteria: Invitae Variant Classification Sherloc (09022015). Collection method: clinical testing. Allele origin: germline.
Comment: In summary, the available evidence is currently insufficient to determine the role of this variant in disease. Therefore, it has been classified as a Variant of Uncertain Significance. Algorithms developed to predict the effect of missense changes on protein structure and function output the following: SIFT: "Tolerated"; PolyPhen-2: "Benign"; Align-GVGD: "Class C0". The lysine amino acid residue is found in multiple mammalian species, which suggests that this missense change does not adversely affect protein function. ClinVar contains an entry for this variant (Variation ID: 934172). This variant has not been reported in the literature in individuals affected with SYNE1-related conditions. This variant is present in population databases (rs768435800, gnomAD 0.004%). This sequence change replaces glutamine, which is neutral and polar, with lysine, which is basic and polar, at codon 3883 of the SYNE1 protein (p.Gln3883Lys).